The following is an entry in ClinVar:

ClinVar aggregate classification (germline): Uncertain significance (1 of 4 stars; one submission).

Allele frequency attached by ClinVar (database versions not stated): gnomAD exomes below 0.00001.

Submission:

Labcorp Genetics (formerly Invitae), Labcorp
Classification: Uncertain significance. Last evaluated: 2022-05-15. Review status: criteria provided, single submitter. Criteria: Invitae Variant Classification Sherloc (09022015). Collection method: clinical testing. Allele origin: germline.
Comment: This variant is not present in population databases (gnomAD no frequency). This sequence change replaces serine, which is neutral and polar, with glycine, which is neutral and non-polar, at codon 325 of the SLC34A1 protein (p.Ser325Gly). This variant has not been reported in the literature in individuals affected with SLC34A1-related conditions. In summary, the available evidence is currently insufficient to determine the role of this variant in disease. Therefore, it has been classified as a Variant of Uncertain Significance. Algorithms developed to predict the effect of missense changes on protein structure and function are either unavailable or do not agree on the potential impact of this missense change (SIFT: "Deleterious"; PolyPhen-2: "Benign"; Align-GVGD: "Class C0").

NM_003052.5(SLC34A1):c.973A>G (p.Ser325Gly)

Gene: SLC34A1 (solute carrier family 34 member 1; plus strand). Cytogenetic location: 5q35.3.
Variant type: single nucleotide variant.
Coding change: c.973A>G on transcript NM_003052.5 (MANE Select); coding-DNA position 973, A replaced by G.
Protein change: p.Ser325Gly; replaces serine 325 with glycine.
Molecular consequence: missense variant.
Genome position (GRCh38, 1-based): chr5:177,393,730, A>G. VCF-style: chr5-177393730-A-G. GRCh37 (hg19) VCF-style: chr5-176820731-A-G.
Other names: short protein forms S325G.
Identifiers: ClinVar variation 2108235 (VCV002108235.4), dbSNP rs2481022500, ClinGen allele CA362311537.